The following is an entry in ClinVar:

NM_001162501.2(TNRC6B):c.1845C>T (p.Pro615=)

Gene: TNRC6B (trinucleotide repeat containing adaptor 6B; plus strand). Cytogenetic location: 22q13.1.
Variant type: single nucleotide variant.
Coding change: c.1845C>T on transcript NM_001162501.2 (MANE Select); coding-DNA position 1845, C replaced by T.
Protein change: p.Pro615=; no amino-acid change (proline 615 retained).
Molecular consequence: synonymous variant. On other transcripts: intron variant (1).
Genome position (GRCh38, 1-based): chr22:40,266,075, C>T. VCF-style: chr22-40266075-C-T. GRCh37 (hg19) VCF-style: chr22-40662079-C-T.
Other names: c.1845C>T, p.Pro615= (NM_015088.3); c.565+3902C>T (NM_001024843.2).
Identifiers: ClinVar variation 2653176 (VCV002653176.24), dbSNP rs375163695, ClinGen allele CA10246754.

ClinVar aggregate classification (germline): Likely benign (1 of 4 stars; one submission).

Allele frequency attached by ClinVar (database versions not stated): ExAC 0.00002; gnomAD 0.00007; TOPMed 0.00007; ESP Exome Variant Server 0.00008; gnomAD exomes 0.00012.
gnomAD v4.1: 186 of 1,613,632 alleles (0.012%); highest among the groups gnomAD compares: Non-Finnish European, 0.016%; no homozygotes.

Submission:

CeGaT Center for Human Genetics Tuebingen
Classification: Likely benign. Last evaluated: 2023-03-01. Review status: criteria provided, single submitter. Criteria: CeGaT Center For Human Genetics Tuebingen Variant Classification Criteria Version 2. Collection method: clinical testing. Allele origin: germline. Affected: yes. Observed: 1 variant allele.
Comment: TNRC6B: BP4, BP7